The following is an entry in ClinVar:

NM_000051.4(ATM):c.2329A>T (p.Arg777Ter)

Gene: ATM (ATM serine/threonine kinase; plus strand). Cytogenetic location: 11q22.3.
Variant type: single nucleotide variant.
Coding change: c.2329A>T on transcript NM_000051.4 (MANE Select); coding-DNA position 2329, A replaced by T.
Protein change: p.Arg777Ter; replaces arginine 777 with a stop codon.
Molecular consequence: nonsense.
Genome position (GRCh38, 1-based): chr11:108,257,559, A>T. VCF-style: chr11-108257559-A-T. GRCh37 (hg19) VCF-style: chr11-108128286-A-T.
Other names: c.2329A>T, p.Arg777Ter (NM_001351834.2); short protein forms R777*.
Identifiers: ClinVar variation 1383169 (VCV001383169.6), dbSNP rs1565397263, ClinGen allele CA382540022.
Genomic context (GRCh38, chr11:108,257,559, plus strand): 5'-GGAGAAAGTATCACTCTGTTTAAAAATAAGACAAATGAGGAATTCAGAATTGGTTCCTTG[A>T]GAAATATGATGCAGCTATGTACACGTTGCTTGAGCAACTGTACCAAGGTAAGATTTTCTT-3'

ClinVar aggregate classification (germline): Pathogenic (1 of 4 stars; one submission).

Conditions:
Ataxia-telangiectasia syndrome (AT). Also called: Cerebello-oculocutaneous telangiectasia; Immunodeficiency with ataxia telangiectasia; LOUIS-BAR SYNDROME; ATAXIA-TELANGIECTASIA, COMPLEMENTATION GROUP A; ATAXIA-TELANGIECTASIA, FRESNO VARIANT; Ataxia-telangiectasia, complementation group D. Identifiers: Orphanet 100, MedGen C0004135, MONDO:0008840, OMIM 208900.

Submission:

Labcorp Genetics (formerly Invitae), Labcorp
Classification: Pathogenic for Ataxia-telangiectasia syndrome. Last evaluated: 2023-07-07. Review status: criteria provided, single submitter. Criteria: Invitae Variant Classification Sherloc (09022015). Collection method: clinical testing. Allele origin: germline.
Comment: This sequence change creates a premature translational stop signal (p.Arg777*) in the ATM gene. It is expected to result in an absent or disrupted protein product. Loss-of-function variants in ATM are known to be pathogenic (PMID: 23807571, 25614872). This variant is not present in population databases (gnomAD no frequency). This variant has not been reported in the literature in individuals affected with ATM-related conditions. ClinVar contains an entry for this variant (Variation ID: 1383169). For these reasons, this variant has been classified as Pathogenic.

Literature cited by the submitters: PubMed 23807571; PubMed 25614872.